The following is an entry in ClinVar:

NM_003872.3(NRP2):c.2425+9729G>A

Gene: NRP2 (neuropilin 2; plus strand). Cytogenetic location: 2q33.3.
Variant type: single nucleotide variant.
Coding change: c.2425+9729G>A on transcript NM_003872.3 (MANE Select); 9729 bases into the intron after coding-DNA position 2425, G replaced by A.
Molecular consequence: intron variant. On other transcripts: 3 prime UTR variant (2).
Genome position (GRCh38, 1-based): chr2:205,776,532, G>A. VCF-style: chr2-205776532-G-A. GRCh37 (hg19) VCF-style: chr2-206641256-G-A.
Other names: c.*6G>A (NM_018534.4, NM_201267.2); c.2440+9714G>A (NM_201266.2); c.2425+9729G>A (NM_201279.2).
Identifiers: ClinVar variation 3052248 (VCV003052248.2), dbSNP rs765737904, ClinGen allele CA2069551.
Genomic context (GRCh38, chr2:205,776,532, plus strand): 5'-GGTGGAGCCCACCCTAACCATTAAGCTAGAGCAAGACCGTGGCTCGCACTGCTGAGGGCC[G>A]AAGCAAGAACAGCACCCAAAACAAACGAGAAAGACTGCAAACATGTTGCCTCGATTTTGC-3'

ClinVar aggregate classification (germline): Likely benign (0 of 4 stars; one submission).

Conditions:
NRP2-related disorder. Also called: NRP2-related condition.

Allele frequency attached by ClinVar (database versions not stated): gnomAD 0.00001; TOPMed 0.00002; ExAC 0.00013.
gnomAD v4.1: 86 of 1,603,020 alleles (0.0054%); highest among the groups gnomAD compares: South Asian, 0.052%; 2 homozygotes.

Submission:

PreventionGenetics, part of Exact Sciences
Classification: Likely benign for NRP2-related condition. Last evaluated: 2021-08-19. Review status: no assertion criteria provided. Collection method: clinical testing. Allele origin: germline.
Comment: This variant is classified as likely benign based on ACMG/AMP sequence variant interpretation guidelines (Richards et al. 2015 PMID: 25741868, with internal and published modifications).